The following is an entry in ClinVar:

ClinVar aggregate classification (germline): Uncertain significance. Review status: criteria provided, multiple submitters, no conflicts (2 of 4 stars). 3 submissions from 3 submitters: Uncertain significance (3). Last evaluated 2024-07-17.

Conditions:
Hereditary nonpolyposis colorectal neoplasms. Identifiers: MedGen C0009405, MeSH D003123.
Hereditary cancer-predisposing syndrome. Also called: Tumor predisposition; Hereditary Cancer Syndrome; Hereditary neoplastic syndrome; Neoplastic Syndromes, Hereditary. Identifiers: Orphanet 140162, MedGen C0027672, MeSH D009386, MONDO:0015356.

Allele frequency attached by ClinVar (database versions not stated): ExAC 0.00001; gnomAD 0.00003.

Submissions (3):

Ambry Genetics
Classification: Uncertain significance for Hereditary cancer-predisposing syndrome. Last evaluated: 2024-07-17. Review status: criteria provided, single submitter. Criteria: Ambry Variant Classification Scheme 2023. Collection method: clinical testing. Allele origin: germline.
Comment: The c.627G>A variant (also known as p.E209E) is located in coding exon 3 of the MSH6 gene. This variant results from a G to A substitution at nucleotide position 627. This nucleotide substitution does not change the glutamic acid at codon 209. However, this change occurs in the last base pair of coding exon 3, which makes it likely to have some effect on normal mRNA splicing. This nucleotide position is well conserved in available vertebrate species. In silico splice site analysis predicts that this alteration will weaken the native splice donor site and will result in the creation or strengthening of a novel splice donor site. Based on the available evidence, the clinical significance of this variant remains unclear.

Labcorp Genetics (formerly Invitae), Labcorp
Classification: Uncertain significance for Hereditary nonpolyposis colorectal neoplasms. Last evaluated: 2020-11-23. Review status: criteria provided, single submitter. Criteria: Invitae Variant Classification Sherloc (09022015). Collection method: clinical testing. Allele origin: germline.
Comment: In summary, the available evidence is currently insufficient to determine the role of this variant in disease. Therefore, it has been classified as a Variant of Uncertain Significance. Nucleotide substitutions within the consensus splice site are a relatively common cause of aberrant splicing (PMID: 17576681, 9536098). Algorithms developed to predict the effect of sequence changes on RNA splicing suggest that this variant may disrupt the consensus splice site, but this prediction has not been confirmed by published transcriptional studies. This variant has not been reported in the literature in individuals with MSH6-related conditions. ClinVar contains an entry for this variant (Variation ID: 485888). This variant is present in population databases (rs769312569, ExAC 0.02%). This sequence change affects codon 209 of the MSH6 mRNA. It is a 'silent' change, meaning that it does not change the encoded amino acid sequence of the MSH6 protein. This variant also falls at the last nucleotide of exon 3, which is part of the consensus splice site for this exon.

Color Diagnostics, LLC DBA Color Health
Classification: Uncertain significance for Hereditary cancer-predisposing syndrome. Last evaluated: 2018-12-29. Review status: criteria provided, single submitter. Criteria: ACMG Guidelines, 2015. Collection method: clinical testing. Allele origin: germline.

Literature cited by the submitters: PubMed 17576681 (cited by Labcorp Genetics (formerly Invitae), Labcorp); PubMed 9536098 (cited by Labcorp Genetics (formerly Invitae), Labcorp).

NM_000179.3(MSH6):c.627G>A (p.Glu209=)

Gene: MSH6 (mutS homolog 6; plus strand). Cytogenetic location: 2p16.3.
Variant type: single nucleotide variant.
Coding change: c.627G>A on transcript NM_000179.3 (MANE Select); coding-DNA position 627, G replaced by A.
Protein change: p.Glu209=; no amino-acid change (glutamic acid 209 retained).
Molecular consequence: synonymous variant. On other transcripts: 5 prime UTR variant (1), intron variant (2).
Genome position (GRCh38, 1-based): chr2:47,796,063, G>A. VCF-style: chr2-47796063-G-A. GRCh37 (hg19) VCF-style: chr2-48023202-G-A.
Other names: c.-276G>A (NM_001281494.2); c.-279-2548G>A (NM_001281493.2); c.238-2548G>A (NM_001281492.2).
Identifiers: ClinVar variation 485888 (VCV000485888.15), dbSNP rs769312569, ClinGen allele CA073204.
Genomic context (GRCh38, chr2:47,796,063, plus strand): 5'-GAGGCTTGAATTGGCAGTTTGTGATGAGCCCTCAGAGCCAGAAGAGGAAGAAGAGATGGA[G>A]GTGGGACACGGCAAGCATTCAGTTGTTATTTATGTTAGGGTGATGGGGGAAGAAAGGGGG-3'
Protein context (NP_000170.1, residues 199-219): PSEPEEEEEM[Glu209=]VGTTYVTDKS